The following is an entry in ClinVar:

NM_001110556.2(FLNA):c.5393_5395del (p.Thr1798del)

Gene: FLNA (filamin A; minus strand). Cytogenetic location: Xq28.
Variant type: Deletion.
Coding change: c.5393_5395del on transcript NM_001110556.2 (MANE Select); coding-DNA positions 5393 to 5395, 3 bases deleted (CCA; older notation c.5393_5395delCCA).
Protein change: p.Thr1798del; deletes threonine 1798.
Molecular consequence: inframe deletion.
Genome position (GRCh38, 1-based): chrX:154,354,402-154,354,404, TGG deleted on the plus strand (CCA on the coding strand, the reverse complement: FLNA is on the minus strand); deleting any 3 consecutive bases within chrX:154,354,402-154,354,406 gives the same sequence; the c. name uses the placement nearest the transcript's 3' end. VCF-style (leftmost placement, unchanged base first): chrX-154354401-ATGG-A. GRCh37 (hg19) VCF-style: chrX-153582769-ATGG-A.
Other names: c.5369_5371del, p.Thr1790del (NM_001456.4); short protein forms T1790del, T1798del.
Identifiers: ClinVar variation 1523340 (VCV001523340.6), dbSNP rs2148106743, ClinGen allele CA2573159433.
Genomic context (GRCh38, chrX:154,354,401, plus strand): 5'-CCTCCTTGGCTCCCGAGCTCCTTCCCAAGTCCCCACTCACCTGTGATCTCGCCCTTCTTG[ATGG>A]TGAAGGGGATGACAAGGTCAAAGGGCCTCAGGCTGGTCACATCCAGCCCATTGACACCCA-3'

ClinVar aggregate classification (germline): Uncertain significance (1 of 4 stars; one submission).

Conditions:
Heterotopia, periventricular, X-linked dominant (PVNH1). Also called: PERIVENTRICULAR NODULAR HETEROTOPIA 1; X-linked periventricular heterotopia; PERIVENTRICULAR NODULAR HETEROTOPIA 4; HETEROTOPIA, PERIVENTRICULAR, 1. Identifiers: Orphanet 2149, Orphanet 82004, MedGen C1848213, MONDO:0010233, OMIM 300049.
Melnick-Needles syndrome (MNS). Also called: Melnick-Needles Syndrome (FLNA-MNS); MELNICK-NEEDLES OSTEODYSPLASTY; OSTEODYSPLASTY OF MELNICK AND NEEDLES. Identifiers: Orphanet 2484, MedGen C0025237, MONDO:0010650, OMIM 309350.
Frontometaphyseal dysplasia (FMD1). Identifiers: Orphanet 1826, MedGen C0265293, MONDO:0015942.
Oto-palato-digital syndrome, type II (OPD2). Also called: Otopalatodigital Syndrome Type 2 (FLNA-OPD2); FACIOPALATOOSSEOUS SYNDROME; OPD II SYNDROME; Otopalatodigital Syndrome, Type II. Identifiers: Orphanet 669, Orphanet 90652, MedGen C1844696, MONDO:0010571, OMIM 304120.

Submission:

Labcorp Genetics (formerly Invitae), Labcorp
Classification: Uncertain significance for Oto-palato-digital syndrome, type II; Heterotopia, periventricular, X-linked dominant; Frontometaphyseal dysplasia; Melnick-Needles syndrome. Last evaluated: 2021-10-12. Review status: criteria provided, single submitter. Criteria: Invitae Variant Classification Sherloc (09022015). Collection method: clinical testing. Allele origin: germline.
Comment: In summary, the available evidence is currently insufficient to determine the role of this variant in disease. Therefore, it has been classified as a Variant of Uncertain Significance. Experimental studies and prediction algorithms are not available or were not evaluated, and the functional significance of this variant is currently unknown. This variant has not been reported in the literature in individuals affected with FLNA-related conditions. This variant is not present in population databases (ExAC no frequency). This variant, c.5369_5371del, results in the deletion of 1 amino acid(s) of the FLNA protein (p.Thr1790del), but otherwise preserves the integrity of the reading frame.